The following is an entry in ClinVar:

ClinVar aggregate classification (germline): Uncertain significance. Review status: criteria provided, single submitter (1 of 4 stars). 2 submissions from 2 submitters: Uncertain significance (1). 1 of the submissions does not count toward it. Last evaluated 2026-01-25.

Conditions:
Mitochondrial complex I deficiency, nuclear type 6. Also called: Mitochondrial complex 1 deficiency, nuclear type 6. Identifiers: MedGen C4748759, MONDO:0032611, OMIM 618228.

Allele frequency attached by ClinVar (database versions not stated): ExAC 0.00001; TOPMed 0.00002; gnomAD exomes below 0.00001.
gnomAD v4.1: 3 of 1,614,046 alleles (0.00019%); highest among the groups gnomAD compares: Non-Finnish European, 0.00017%; no homozygotes.

Submissions (2):

GeneDx
Classification: Uncertain significance. Last evaluated: 2026-01-25. Review status: criteria provided, single submitter. Criteria: GeneDx Variant Classification Process June 2021. Collection method: clinical testing. Allele origin: germline.
Comment: Not observed at significant frequency in large population cohorts (gnomAD); In silico analysis supports that this missense variant has a deleterious effect on protein structure/function; This variant is associated with the following publications: (PMID: 37597066, 38129218)

Myelin Disorders Clinic-Children's Medical Center/Medical Genetics Lab-Tarbiat Modares University, Children's Medical Center, Pediatrics Center of Excellence,
Classification: Uncertain significance for Mitochondrial complex I deficiency, nuclear type 6. Review status: no assertion criteria provided. Collection method: clinical testing. Allele origin: inherited. Inheritance: Autosomal recessive inheritance. Affected: yes. Not counted in ClinVar's aggregate classification.

NM_001377299.1(NDUFS2):c.662G>A (p.Arg221Gln)

Gene: NDUFS2 (NADH:ubiquinone oxidoreductase core subunit S2; plus strand). Cytogenetic location: 1q23.3.
Variant type: single nucleotide variant.
Coding change: c.662G>A on transcript NM_001377299.1 (MANE Select); coding-DNA position 662, G replaced by A.
Protein change: p.Arg221Gln; replaces arginine 221 with glutamine.
Molecular consequence: missense variant. On other transcripts: non-coding transcript variant (1).
Genome position (GRCh38, 1-based): chr1:161,209,891, G>A. VCF-style: chr1-161209891-G-A. GRCh37 (hg19) VCF-style: chr1-161179681-G-A.
Other names: c.662G>A, p.Arg221Gln (NM_001166159.2, NM_001377298.1, NM_001377300.1 and 3 more transcripts); short protein forms R221Q.
Identifiers: ClinVar variation 973096 (VCV000973096.3), dbSNP rs779304916, ClinGen allele CA1208648.
Genomic context (GRCh38, chr1:161,209,891, plus strand): 5'-ACTAATTCCCAGCACGTTCTATGAAGATGTTTGAGTTCTACGAGCGAGTGTCTGGAGCCC[G>A]AATGCATGCTGCTTATATCCGGCCAGGAGGAGTGCACCAGGTGAGCAGGTCCCCGGCTTC-3'
Protein context (NP_001364228.1, residues 211-231): FEFYERVSGA[Arg221Gln]MHAAYIRPGG